The following is an entry in ClinVar:

NM_000064.4(C3):c.764T>G (p.Ile255Ser)

Gene: C3 (complement C3; minus strand). Cytogenetic location: 19p13.3.
Variant type: single nucleotide variant.
Coding change: c.764T>G on transcript NM_000064.4 (MANE Select); coding-DNA position 764, T replaced by G.
Protein change: p.Ile255Ser; replaces isoleucine 255 with serine.
Molecular consequence: missense variant.
Genome position (GRCh38, 1-based): chr19:6,714,001, A>C on the plus strand (T>G on the coding strand, the complement: C3 is on the minus strand). VCF-style: chr19-6714001-A-C. GRCh37 (hg19) VCF-style: chr19-6714012-A-C.
Other names: short protein forms I255S.
Identifiers: ClinVar variation 4743075 (VCV004743075.1).

ClinVar aggregate classification (germline): Uncertain significance (1 of 4 stars; one submission).

Submission:

Labcorp Genetics (formerly Invitae), Labcorp
Classification: Uncertain significance. Last evaluated: 2025-10-24. Review status: criteria provided, single submitter. Criteria: Invitae Variant Classification Sherloc (09022015). Collection method: clinical testing. Allele origin: germline.
Comment: This sequence change replaces isoleucine, which is neutral and non-polar, with serine, which is neutral and polar, at codon 255 of the C3 protein (p.Ile255Ser). This variant is not present in population databases (gnomAD no frequency). This variant has not been reported in the literature in individuals affected with C3-related conditions. Invitae Evidence Modeling of protein sequence and biophysical properties (such as structural, functional, and spatial information, amino acid conservation, physicochemical variation, residue mobility, and thermodynamic stability) indicates that this missense variant is expected to disrupt C3 protein function with a positive predictive value of 80%. In summary, the available evidence is currently insufficient to determine the role of this variant in disease. Therefore, it has been classified as a Variant of Uncertain Significance.